The following is an entry in ClinVar:

ClinVar aggregate classification (germline): Uncertain significance. Review status: criteria provided, multiple submitters, no conflicts (2 of 4 stars). 2 submissions from 2 submitters: Uncertain significance (2). Last evaluated 2024-12-09.

Conditions:
Cardiovascular phenotype. Identifiers: MedGen CN230736.

gnomAD v4.1: 4 of 1,613,754 alleles (0.00025%); highest among the groups gnomAD compares: Admixed American, 0.0017%; no homozygotes.

Submissions (2):

Ambry Genetics
Classification: Uncertain significance for Cardiovascular phenotype. Last evaluated: 2024-12-09. Review status: criteria provided, single submitter. Criteria: Ambry Variant Classification Scheme 2023. Collection method: clinical testing. Allele origin: germline.
Comment: The p.A733T variant (also known as c.2197G>A), located in coding exon 14 of the CBL gene, results from a G to A substitution at nucleotide position 2197. The alanine at codon 733 is replaced by threonine, an amino acid with similar properties. This amino acid position is conserved. In addition, this alteration is predicted to be tolerated by in silico analysis. Based on the available evidence, the clinical significance of this variant remains unclear.

GeneDx
Classification: Uncertain significance. Last evaluated: 2024-09-04. Review status: criteria provided, single submitter. Criteria: GeneDx Variant Classification Process June 2021. Collection method: clinical testing. Allele origin: germline. Affected: yes.
Comment: Not observed at significant frequency in large population cohorts (gnomAD); In silico analysis indicates that this missense variant does not alter protein structure/function; Has not been previously published as pathogenic or benign to our knowledge; This variant is associated with the following publications: (PMID: 11067845)

NM_005188.4(CBL):c.2197G>A (p.Ala733Thr)

Gene: CBL (Cbl proto-oncogene; plus strand). Cytogenetic location: 11q23.3.
Variant type: single nucleotide variant.
Coding change: c.2197G>A on transcript NM_005188.4 (MANE Select); coding-DNA position 2197, G replaced by A.
Protein change: p.Ala733Thr; replaces alanine 733 with threonine.
Molecular consequence: missense variant.
Genome position (GRCh38, 1-based): chr11:119,297,427, G>A. VCF-style: chr11-119297427-G-A. GRCh37 (hg19) VCF-style: chr11-119168137-G-A.
Other names: short protein forms A733T.
Identifiers: ClinVar variation 3485642 (VCV003485642.2).